The following is an entry in ClinVar:

ClinVar aggregate classification (germline): Benign (1 of 4 stars; one submission).

Allele frequency attached by ClinVar (database versions not stated): 1000 Genomes Project 30x 0.01405; 1000 Genomes Project 0.01478; TOPMed 0.04461; gnomAD 0.04770 and 0.05058.
gnomAD v4.1: 7,370 of 151,734 alleles (4.9%); highest among the groups gnomAD compares: Non-Finnish European, 7.7%; 271 homozygotes.

Submission:

GeneDx
Classification: Benign. Last evaluated: 2018-06-15. Review status: criteria provided, single submitter. Criteria: GeneDx Variant Classification (06012015). Collection method: clinical testing. Allele origin: germline. Affected: yes.
Comment: This variant is considered likely benign or benign based on one or more of the following criteria: it is a conservative change, it occurs at a poorly conserved position in the protein, it is predicted to be benign by multiple in silico algorithms, and/or has population frequency not consistent with disease.

NM_201596.3(CACNB2):c.1489-330G>A

Gene: CACNB2 (calcium voltage-gated channel auxiliary subunit beta 2; plus strand). Cytogenetic location: 10p12.31.
Variant type: single nucleotide variant.
Coding change: c.1489-330G>A on transcript NM_201596.3 (MANE Select); 330 bases into the intron before coding-DNA position 1489, G replaced by A.
Molecular consequence: intron variant.
Genome position (GRCh38, 1-based): chr10:18,538,900, G>A. VCF-style: chr10-18538900-G-A. GRCh37 (hg19) VCF-style: chr10-18827829-G-A.
Other names: c.1405-330G>A (NM_201571.4); c.1291-330G>A (NM_001167945.2); c.1333-330G>A (NM_201572.4); c.1375-330G>A (NM_201593.3); c.1417-330G>A (NM_201597.3); c.1324-330G>A (NM_000724.4); c.1210-330G>A (NM_001330060.2); c.1327-330G>A (NM_201590.3); and 1 more.
Identifiers: ClinVar variation 683827 (VCV000683827.1), dbSNP rs11014733, ClinGen allele CA203166967.